The following is an entry in ClinVar:

ClinVar aggregate classification (germline): Uncertain significance. Review status: criteria provided, multiple submitters, no conflicts (2 of 4 stars). 4 submissions from 4 submitters: Uncertain significance (3). 1 of the submissions does not count toward it. Last evaluated 2025-10-24.

Conditions:
Inborn genetic diseases. Identifiers: MedGen C0950123, MeSH D030342.
Usher syndrome type 1 (USH1). Also called: RETINITIS PIGMENTOSA AND CONGENITAL DEAFNESS. Identifiers: Orphanet 231169, Orphanet 886, MedGen C1568247, MONDO:0010168, OMIM 276900.

Allele frequency attached by ClinVar (database versions not stated): gnomAD 0.00004; gnomAD exomes 0.00004; TOPMed 0.00004; ExAC 0.00005.
gnomAD v4.1: 48 of 1,613,752 alleles (0.003%); highest among the groups gnomAD compares: Admixed American, 0.0067%; no homozygotes.

Submissions (4):

Ambry Genetics
Classification: Uncertain significance for Inborn genetic diseases. Last evaluated: 2025-10-24. Review status: criteria provided, single submitter. Criteria: Ambry Variant Classification Scheme 2023. Collection method: clinical testing. Allele origin: germline.

Labcorp Genetics (formerly Invitae), Labcorp
Classification: Uncertain significance. Last evaluated: 2024-04-07. Review status: criteria provided, single submitter. Criteria: Invitae Variant Classification Sherloc (09022015). Collection method: clinical testing. Allele origin: germline.
Comment: This sequence change replaces arginine, which is basic and polar, with glutamine, which is neutral and polar, at codon 2107 of the CDH23 protein (p.Arg2107Gln). This variant is present in population databases (rs780094972, gnomAD 0.01%). This variant has not been reported in the literature in individuals affected with CDH23-related conditions. ClinVar contains an entry for this variant (Variation ID: 990287). Advanced modeling of protein sequence and biophysical properties (such as structural, functional, and spatial information, amino acid conservation, physicochemical variation, residue mobility, and thermodynamic stability) performed at Invitae indicates that this missense variant is not expected to disrupt CDH23 protein function with a negative predictive value of 95%. In summary, the available evidence is currently insufficient to determine the role of this variant in disease. Therefore, it has been classified as a Variant of Uncertain Significance.

Blueprint Genetics
Classification: Uncertain significance. Last evaluated: 2023-11-24. Review status: criteria provided, single submitter. Criteria: ACMG Guidelines, 2015. Collection method: clinical testing. Allele origin: germline.

Natera, Inc.
Classification: Uncertain significance for Usher syndrome type 1. Last evaluated: 2020-04-17. Review status: no assertion criteria provided. Collection method: clinical testing. Allele origin: germline. Not counted in ClinVar's aggregate classification.

NM_022124.6(CDH23):c.6320G>A (p.Arg2107Gln)

Gene: CDH23 (cadherin related 23; plus strand). Cytogenetic location: 10q22.1.
Variant type: single nucleotide variant.
Coding change: c.6320G>A on transcript NM_022124.6 (MANE Select); coding-DNA position 6320, G replaced by A.
Protein change: p.Arg2107Gln; replaces arginine 2107 with glutamine.
Molecular consequence: missense variant.
Genome position (GRCh38, 1-based): chr10:71,793,248, G>A. VCF-style: chr10-71793248-G-A. GRCh37 (hg19) VCF-style: chr10-73553005-G-A.
Other names: c.6320G>A (NM_022124.5); short protein forms R2107Q.
Identifiers: ClinVar variation 990287 (VCV000990287.7), dbSNP rs780094972, ClinGen allele CA5546054.